The following is an entry in ClinVar:

ClinVar aggregate classification (germline): Pathogenic. Review status: criteria provided, multiple submitters, no conflicts (2 of 4 stars). 2 submissions from 2 submitters: Pathogenic (2). Last evaluated 2022-10-17.

Conditions:
Familial thoracic aortic aneurysm and aortic dissection (TAAD). Also called: Thoracic aortic aneurysms and dissections. Identifiers: Orphanet 91387, MedGen C4707243, MONDO:0019625.
Marfan syndrome (MFS). Also called: FBN1-Related Marfan Syndrome; Marfan's syndrome; MARFAN SYNDROME, TYPE I; Marfan syndrome type 1; Marfan syndrome, classic. Identifiers: Orphanet 284963, Orphanet 558, MedGen C0024796, MONDO:0007947, OMIM 154700.

Submissions (2):

Labcorp Genetics (formerly Invitae), Labcorp
Classification: Pathogenic for Marfan syndrome; Familial thoracic aortic aneurysm and aortic dissection. Last evaluated: 2022-10-17. Review status: criteria provided, single submitter. Criteria: Invitae Variant Classification Sherloc (09022015). Collection method: clinical testing. Allele origin: germline.
Comment: This sequence change creates a premature translational stop signal (p.Asn2346Glnfs*13) in the FBN1 gene. It is expected to result in an absent or disrupted protein product. Loss-of-function variants in FBN1 are known to be pathogenic (PMID: 17657824, 19293843). For these reasons, this variant has been classified as Pathogenic. This variant has not been reported in the literature in individuals affected with FBN1-related conditions. This variant is not present in population databases (gnomAD no frequency). ClinVar contains an entry for this variant (Variation ID: 811334).

ARUP Laboratories, Molecular Genetics and Genomics, ARUP Laboratories
Classification: Pathogenic. Last evaluated: 2019-03-01. Review status: criteria provided, single submitter. Criteria: ARUP Molecular Germline Variant Investigation Process. Collection method: clinical testing. Allele origin: germline.
Comment: The FBN1 c.7032_7054del23; p.Asn2346fs variant, to our knowledge, is not described in the medical literature or in gene-specific databases. It is also absent from general population databases (Exome Variant Server and Genome Aggregation Database), indicating it is not a common polymorphism. This variant creates a frameshift by deleting 23 nucleotides, so it is predicted to result in a truncated protein or mRNA subject to nonsense-mediated decay. Additionally, several downstream truncating variants have been described in individuals affected with Marfan syndrome (Comeglio 2007, Stheneur 2009). Based on available information, the p.Asn2346fs variant is considered pathogenic. REFERENCES Comeglio P et al. The importance of mutation detection in Marfan syndrome and Marfan-related disorders: report of 193 FBN1 mutations. Hum Mutat. 2007 Sep;28(9):928. Stheneur C et al. Identification of the minimal combination of clinical features in probands for efficient mutation detection in the FBN1 gene. Eur J Hum Genet. 2009 Sep;17(9):1121-8.

Literature cited by the submitters: PubMed 17657824 (cited by Labcorp Genetics (formerly Invitae), Labcorp); PubMed 19293843 (cited by Labcorp Genetics (formerly Invitae), Labcorp).

NM_000138.5(FBN1):c.7032_7054del (p.Asn2346fs)

Gene: FBN1 (fibrillin 1; minus strand). Cytogenetic location: 15q21.1.
Variant type: Deletion.
Coding change: c.7032_7054del on transcript NM_000138.5 (MANE Select); coding-DNA positions 7032 to 7054, 23 bases deleted (ACAAAACATGTGTCAGATCGGCT).
Protein change: p.Asn2346fs; shifts the reading frame from asparagine 2346.
Molecular consequence: frameshift variant.
Genome position (GRCh38, 1-based): chr15:48,427,717-48,427,739, AGCCGATCTGACACATGTTTTGT deleted on the plus strand (ACAAAACATGTGTCAGATCGGCT on the coding strand, the reverse complement: FBN1 is on the minus strand); deleting any 23 consecutive bases within chr15:48,427,717-48,427,742 gives the same sequence; the c. name uses the placement nearest the transcript's 3' end. VCF-style (leftmost placement, unchanged base first): chr15-48427716-GAGCCGATCTGACACATGTTTTGT-G. GRCh37 (hg19) VCF-style: chr15-48719913-GAGCCGATCTGACACATGTTTTGT-G.
Other names: short protein forms N2346fs.
Identifiers: ClinVar variation 811334 (VCV000811334.15), dbSNP rs1597518038, ClinGen allele CA915946635.